The following is an entry in ClinVar:

ClinVar aggregate classification (germline): Uncertain significance (1 of 4 stars; one submission).

gnomAD v4.1: 18 of 1,452,574 alleles (0.0012%); highest among the groups gnomAD compares: African/African-American, 0.0043%; no homozygotes.

Submission:

Labcorp Genetics (formerly Invitae), Labcorp
Classification: Uncertain significance. Last evaluated: 2024-10-28. Review status: criteria provided, single submitter. Criteria: Invitae Variant Classification Sherloc (09022015). Collection method: clinical testing. Allele origin: germline.
Comment: This sequence change replaces arginine, which is basic and polar, with histidine, which is basic and polar, at codon 181 of the OTOG protein (p.Arg181His). The frequency data for this variant in the population databases is considered unreliable, as metrics indicate poor data quality at this position in the gnomAD database. This variant has not been reported in the literature in individuals affected with OTOG-related conditions. An algorithm developed to predict the effect of missense changes on protein structure and function outputs the following: PolyPhen-2: "Benign". The histidine amino acid residue is found in multiple mammalian species, which suggests that this missense change does not adversely affect protein function. In summary, the available evidence is currently insufficient to determine the role of this variant in disease. Therefore, it has been classified as a Variant of Uncertain Significance.

NM_001292063.2(OTOG):c.506G>A (p.Arg169His)

Gene: OTOG (otogelin; plus strand). Cytogenetic location: 11p15.1.
Variant type: single nucleotide variant.
Coding change: c.506G>A on transcript NM_001292063.2 (MANE Select); coding-DNA position 506, G replaced by A.
Protein change: p.Arg169His; replaces arginine 169 with histidine.
Molecular consequence: missense variant.
Genome position (GRCh38, 1-based): chr11:17,553,485, G>A. VCF-style: chr11-17553485-G-A. GRCh37 (hg19) VCF-style: chr11-17575032-G-A.
Other names: c.542G>A, p.Arg181His (NM_001277269.2); short protein forms R169H, R181H.
Identifiers: ClinVar variation 3604365 (VCV003604365.1).
Genomic context (GRCh38, chr11:17,553,485, plus strand): 5'-AGACATTTGATGGGCTCTACTACTACCTCTCCGGAAAGGGCAGCTACACCCTGGTGGGTC[G>A]CCATGAGCCCGAGGGACAGAGCTTCTCCATCCAGGTGAGGCCTCCCCTGCCTTGCCTGTC-3'
Protein context (NP_001278992.1, residues 159-179): SGKGSYTLVG[Arg169His]HEPEGQSFSI